The following is an entry in ClinVar:

ClinVar aggregate classification (germline): Uncertain significance. Review status: criteria provided, multiple submitters, no conflicts (2 of 4 stars). 4 submissions from 4 submitters: Uncertain significance (4). Last evaluated 2026-08-01.

Conditions:
BBS10-related disorder. Also called: BBS10-related condition.
Bardet-Biedl syndrome (BBS). Identifiers: Orphanet 110, MedGen C0752166, MONDO:0015229.
Bardet-Biedl syndrome 10 (BBS10). Identifiers: Orphanet 110, MedGen C1859568, MONDO:0014438, OMIM 615987.

Allele frequency attached by ClinVar (database versions not stated): ExAC 0.00001; gnomAD 0.00001; TOPMed 0.00003.

Submissions (4):

GeneDx
Classification: Uncertain significance. Last evaluated: 2026-08-01. Review status: criteria provided, single submitter. Criteria: GeneDx Variant Classification Process June 2021. Collection method: clinical testing. Allele origin: germline.
Comment: Not observed at significant frequency in large population cohorts (gnomAD); In silico analysis suggests that this missense variant does not alter protein structure/function; Has not been previously published as pathogenic or benign to our knowledge

PreventionGenetics, part of Exact Sciences
Classification: Uncertain significance for BBS10-related condition. Last evaluated: 2024-10-28. Review status: criteria provided, single submitter. Criteria: ACMG Guidelines, 2015. Collection method: clinical testing. Allele origin: germline.
Comment: The BBS10 c.1980A>T variant is predicted to result in the amino acid substitution p.Arg660Ser. To our knowledge, this variant has not been reported in the literature. This variant is reported in 0.0062% of alleles in individuals of African descent in gnomAD. At this time, the clinical significance of this variant is uncertain due to the absence of conclusive functional and genetic evidence.

Fulgent Genetics
Classification: Uncertain significance for Bardet-Biedl syndrome 10. Last evaluated: 2024-03-11. Review status: criteria provided, single submitter. Criteria: ACMG Guidelines, 2015. Collection method: clinical testing. Allele origin: germline.

Labcorp Genetics (formerly Invitae), Labcorp
Classification: Uncertain significance for Bardet-Biedl syndrome. Last evaluated: 2021-09-24. Review status: criteria provided, single submitter. Criteria: Invitae Variant Classification Sherloc (09022015). Collection method: clinical testing. Allele origin: germline.
Comment: This sequence change replaces arginine with serine at codon 660 of the BBS10 protein (p.Arg660Ser). The arginine residue is moderately conserved and there is a moderate physicochemical difference between arginine and serine. This variant is present in population databases (rs747395215, ExAC 0.01%). This variant has not been reported in the literature in individuals with BBS10-related conditions. Algorithms developed to predict the effect of missense changes on protein structure and function (SIFT, PolyPhen-2, Align-GVGD) all suggest that this variant is likely to be tolerated, but these predictions have not been confirmed by published functional studies and their clinical significance is uncertain. In summary, the available evidence is currently insufficient to determine the role of this variant in disease. Therefore, it has been classified as a Variant of Uncertain Significance.

NM_024685.4(BBS10):c.1980A>T (p.Arg660Ser)

Gene: BBS10 (Bardet-Biedl syndrome 10; minus strand). Cytogenetic location: 12q21.2.
Variant type: single nucleotide variant.
Coding change: c.1980A>T on transcript NM_024685.4 (MANE Select); coding-DNA position 1980, A replaced by T.
Protein change: p.Arg660Ser; replaces arginine 660 with serine.
Molecular consequence: missense variant.
Genome position (GRCh38, 1-based): chr12:76,346,005, T>A on the plus strand (A>T on the coding strand, the complement: BBS10 is on the minus strand). VCF-style: chr12-76346005-T-A. GRCh37 (hg19) VCF-style: chr12-76739785-T-A.
Other names: c.1980A>T (NM_024685.3); short protein forms R660S.
Identifiers: ClinVar variation 2062774 (VCV002062774.5), dbSNP rs747395215, ClinGen allele CA6694063.